The following is an entry in ClinVar:

NM_024642.5(GALNT12):c.183C>T (p.Arg61=)

Gene: GALNT12 (polypeptide N-acetylgalactosaminyltransferase 12; plus strand). Cytogenetic location: 9q22.33.
Variant type: single nucleotide variant.
Coding change: c.183C>T on transcript NM_024642.5 (MANE Select); coding-DNA position 183, C replaced by T.
Protein change: p.Arg61=; no amino-acid change (arginine 61 retained).
Molecular consequence: synonymous variant.
Genome position (GRCh38, 1-based): chr9:98,807,881, C>T. VCF-style: chr9-98807881-C-T. GRCh37 (hg19) VCF-style: chr9-101570163-C-T.
Identifiers: ClinVar variation 4875712 (VCV004875712.1).

ClinVar aggregate classification (germline): Benign (1 of 4 stars; one submission).

Conditions:
Colorectal cancer, susceptibility to, 1. Also called: COLORECTAL ADENOMA AND CANCER, SUSCEPTIBILITY TO; COLORECTAL CANCER, SUSCEPTIBILITY TO, ON CHROMOSOME 9. Identifiers: MedGen C1837315, MONDO:0012132, OMIM 608812.

Submission:

Myriad Genetics, Inc.
Classification: Benign for Colorectal cancer, susceptibility to, 1. Last evaluated: 2026-04-22. Review status: criteria provided, single submitter. Criteria: Myriad Autosomal Dominant, Autosomal Recessive and X-Linked Classification Criteria (2023). Collection method: clinical testing. Allele origin: unknown.
Comment: This variant is considered benign. This variant is a silent/synonymous amino acid change and it is not expected to impact splicing.